The following is an entry in ClinVar:

NC_000009.11:g.(?_6534707)_(6538467_?)del

Gene: GLDC (glycine decarboxylase; minus strand). Cytogenetic location: 9p24.1.
Variant type: Deletion.
Identifiers: ClinVar variation 1454638 (VCV001454638.7).

ClinVar aggregate classification (germline): Pathogenic (1 of 4 stars; one submission).

Conditions:
Glycine encephalopathy. Also called: Non-ketotic hyperglycinemia; Nonketotic hyperglycinemia. Identifiers: Orphanet 407, MedGen C0751748, MONDO:0011612, HP:0008288.

Submission:

Labcorp Genetics (formerly Invitae), Labcorp
Classification: Pathogenic for Glycine encephalopathy. Last evaluated: 2021-09-08. Review status: criteria provided, single submitter. Criteria: Invitae Variant Classification Sherloc (09022015). Collection method: clinical testing. Allele origin: germline.
Comment: This variant disrupts a region of the GLDC protein in which other variant(s) (p.Ser910Leu) have been determined to be pathogenic (PMID: 27362913). This suggests that this is a clinically significant region of the protein, and that variants that disrupt it are likely to be disease-causing. For these reasons, this variant has been classified as Pathogenic. This variant has not been reported in the literature in individuals affected with GLDC-related conditions. This variant is a gross deletion of the genomic region encompassing exon(s) 23-24 of the GLDC gene. While this deletion is not anticipated to lead to nonsense mediated decay, it is expected to disrupt the C-terminus of the protein.

Literature cited by the submitters: PubMed 27362913.